The following is an entry in ClinVar:

NM_001111125.3(IQSEC2):c.2749G>A (p.Gly917Arg)

Gene: IQSEC2 (IQ motif and Sec7 domain ArfGEF 2; minus strand). Cytogenetic location: Xp11.22.
Variant type: single nucleotide variant.
Coding change: c.2749G>A on transcript NM_001111125.3 (MANE Select); coding-DNA position 2749, G replaced by A.
Protein change: p.Gly917Arg; replaces glycine 917 with arginine.
Molecular consequence: missense variant.
Genome position (GRCh38, 1-based): chrX:53,246,969, C>T on the plus strand (G>A on the coding strand, the complement: IQSEC2 is on the minus strand). VCF-style: chrX-53246969-C-T. GRCh37 (hg19) VCF-style: chrX-53276151-C-T.
Other names: c.2134G>A, p.Gly712Arg (NM_015075.2); short protein forms G712R, G917R.
Identifiers: ClinVar variation 1366861 (VCV001366861.8), dbSNP rs2147080183, ClinGen allele CA413154997.

ClinVar aggregate classification (germline): Uncertain significance (1 of 4 stars; one submission).

Conditions:
Intellectual developmental disorder, X-linked 1. Also called: Atkin Flaitz Patil Smith syndrome; Intellectual disability, X-linked 1; MENTAL RETARDATION, X-LINKED 18; MENTAL RETARDATION, X-LINKED 78. Identifiers: Orphanet 777, MedGen C2931498, MONDO:0010656, OMIM 309530.

Submission:

Labcorp Genetics (formerly Invitae), Labcorp
Classification: Uncertain significance for Intellectual developmental disorder, X-linked 1. Last evaluated: 2021-07-19. Review status: criteria provided, single submitter. Criteria: Invitae Variant Classification Sherloc (09022015). Collection method: clinical testing. Allele origin: germline.
Comment: This sequence change replaces glycine with arginine at codon 917 of the IQSEC2 protein (p.Gly917Arg). The glycine residue is highly conserved and there is a moderate physicochemical difference between glycine and arginine. This variant also falls at the last nucleotide of exon 8, which is part of the consensus splice site for this exon. This variant is not present in population databases (ExAC no frequency). This variant has been observed in individual(s) with clinical features of IQSEC2-related conditions (Invitae). Algorithms developed to predict the effect of missense changes on protein structure and function (SIFT, PolyPhen-2, Align-GVGD) all suggest that this variant is likely to be disruptive, but these predictions have not been confirmed by published functional studies and their clinical significance is uncertain. Nucleotide substitutions within the consensus splice site are a relatively common cause of aberrant splicing (PMID: 17576681, 9536098). Algorithms developed to predict the effect of sequence changes on RNA splicing suggest that this variant may disrupt the consensus splice site, but this prediction has not been confirmed by published transcriptional studies. In summary, the available evidence is currently insufficient to determine the role of this variant in disease. Therefore, it has been classified as a Variant of Uncertain Significance.

Literature cited by the submitters: PubMed 17576681; PubMed 9536098.